The following is an entry in ClinVar:

ClinVar aggregate classification (germline): Uncertain significance. Review status: criteria provided, multiple submitters, no conflicts (2 of 4 stars). 3 submissions from 3 submitters: Uncertain significance (2). 1 of the submissions does not count toward it. Last evaluated 2024-12-30.

Conditions:
Aortic valve disease 2 (AOVD2). Identifiers: MedGen C3542024, MONDO:0013902, OMIM 614823.

Allele frequency attached by ClinVar (database versions not stated): TOPMed below 0.00001; gnomAD 0.00001.
gnomAD v4.1: 18 of 1,604,572 alleles (0.0011%); highest among the groups gnomAD compares: Non-Finnish European, 0.0014%; no homozygotes.

Submissions (3):

Labcorp Genetics (formerly Invitae), Labcorp
Classification: Uncertain significance for Aortic valve disease 2. Last evaluated: 2024-12-30. Review status: criteria provided, single submitter. Criteria: Invitae Variant Classification Sherloc (09022015). Collection method: clinical testing. Allele origin: germline.
Comment: This sequence change replaces proline, which is neutral and non-polar, with leucine, which is neutral and non-polar, at codon 415 of the SMAD6 protein (p.Pro415Leu). This variant is not present in population databases (gnomAD no frequency). This missense change has been observed in individual(s) with aortic stenosis with bicuspid aortic valve (PMID: 22275001, 30848080). ClinVar contains an entry for this variant (Variation ID: 37112). Invitae Evidence Modeling of protein sequence and biophysical properties (such as structural, functional, and spatial information, amino acid conservation, physicochemical variation, residue mobility, and thermodynamic stability) has been performed for this missense variant. However, the output from this modeling did not meet the statistical confidence thresholds required to predict the impact of this variant on SMAD6 protein function. Experimental studies have shown that this missense change affects SMAD6 function (PMID: 22275001). In summary, the available evidence is currently insufficient to determine the role of this variant in disease. Therefore, it has been classified as a Variant of Uncertain Significance.

GeneDx
Classification: Uncertain significance. Last evaluated: 2023-03-24. Review status: criteria provided, single submitter. Criteria: GeneDx Variant Classification Process June 2021. Collection method: clinical testing. Allele origin: germline. Affected: yes.
Comment: Identified in an infant with bicuspid aortic valve and moderate aortic stenosis in the published literature, however, familial segregation information was not included (Tan et al., 2012); Published functional studies suggest a mild decrease in protein signaling compared to wild type protein (Tan et al., 2012); In silico analysis supports that this missense variant has a deleterious effect on protein structure/function; Not observed at significant frequency in large population cohorts (gnomAD); This variant is associated with the following publications: (PMID: 22275001)

OMIM
Classification: Pathogenic for AORTIC VALVE DISEASE 2. Last evaluated: 2012-04-01. Review status: no assertion criteria provided. Collection method: literature only. Allele origin: germline. Not counted in ClinVar's aggregate classification.

Literature cited by the submitters: PubMed 22275001 (cited by Labcorp Genetics (formerly Invitae), Labcorp and OMIM); PubMed 30848080 (cited by Labcorp Genetics (formerly Invitae), Labcorp).

NM_005585.5(SMAD6):c.1244C>T (p.Pro415Leu)

Gene: SMAD6 (SMAD family member 6; plus strand). Cytogenetic location: 15q22.31.
Variant type: single nucleotide variant.
Coding change: c.1244C>T on transcript NM_005585.5 (MANE Select); coding-DNA position 1244, C replaced by T.
Protein change: p.Pro415Leu; replaces proline 415 with leucine.
Molecular consequence: missense variant. On other transcripts: non-coding transcript variant (1).
Genome position (GRCh38, 1-based): chr15:66,781,288, C>T. VCF-style: chr15-66781288-C-T. GRCh37 (hg19) VCF-style: chr15-67073626-C-T.
Other names: c.1244C>T (NM_005585.4); short protein forms P415L.
Identifiers: ClinVar variation 37112 (VCV000037112.8), dbSNP rs387907284, ClinGen allele CA281908.
Genomic context (GRCh38, chr15:66,781,288, plus strand): 5'-AGGAGCCCGACGGCGTGTGGGCCTACAACCGCGGCGAGCACCCCATCTTCGTCAACTCCC[C>T]GACGCTGGACGCGCCCGGCGGCCGCGCCCTGGTCGTGCGCAAGGTGCCCCCCGGCTACTC-3'
Protein context (NP_005576.3, residues 405-425): RGEHPIFVNS[Pro415Leu]TLDAPGGRAL